The following is an entry in ClinVar:

NM_001690.4(ATP6V1A):c.959T>C (p.Val320Ala)

Gene: ATP6V1A (ATPase H+ transporting V1 subunit A; plus strand). Cytogenetic location: 3q13.31.
Variant type: single nucleotide variant.
Coding change: c.959T>C on transcript NM_001690.4 (MANE Select); coding-DNA position 959, T replaced by C.
Protein change: p.Val320Ala; replaces valine 320 with alanine.
Molecular consequence: missense variant.
Genome position (GRCh38, 1-based): chr3:113,789,811, T>C. VCF-style: chr3-113789811-T-C. GRCh37 (hg19) VCF-style: chr3-113508658-T-C.
Other names: short protein forms V320A.
Identifiers: ClinVar variation 4819942 (VCV004819942.1).

ClinVar aggregate classification (germline): Pathogenic (1 of 4 stars; one submission).

Submission:

GeneDx
Classification: Pathogenic. Last evaluated: 2026-01-30. Review status: criteria provided, single submitter. Criteria: GeneDx Variant Classification Process June 2021. Collection method: clinical testing. Allele origin: germline. Affected: yes.
Comment: In silico analysis supports that this missense variant has a deleterious effect on protein structure/function; Not observed at significant frequency in large population cohorts (gnomAD); Has not been previously published as pathogenic or benign to our knowledge